The following is an entry in ClinVar:

ClinVar aggregate classification (germline): Uncertain significance. Review status: criteria provided, multiple submitters, no conflicts (2 of 4 stars). 3 submissions from 3 submitters: Uncertain significance (3). Last evaluated 2026-08-03.

Conditions:
Inborn genetic diseases. Identifiers: MedGen C0950123, MeSH D030342.
Early-infantile DEE. Also called: Early infantile epileptic encephalopathy with suppression bursts; Early infantile epileptic encephalopathy; Ohtahara syndrome. Identifiers: Orphanet 1934, MedGen C0393706, MONDO:0800491.

Allele frequency attached by ClinVar (database versions not stated): ESP Exome Variant Server 0.00008.
gnomAD v4.1: 7 of 1,613,360 alleles (0.00043%); highest among the groups gnomAD compares: Non-Finnish European, 0.00059%; no homozygotes.

Submissions (3):

Ambry Genetics
Classification: Uncertain significance for Inborn genetic diseases. Last evaluated: 2026-08-03. Review status: criteria provided, single submitter. Criteria: Ambry Variant Classification Scheme 2023. Collection method: clinical testing. Allele origin: germline.
Comment: The c.1352C>A (p.A451E) alteration is located in exon 11 (coding exon 10) of the SPTAN1 gene. This alteration results from a C to A substitution at nucleotide position 1352, causing the alanine (A) at amino acid position 451 to be replaced by a glutamic acid (E). Based on data from gnomAD, the A allele has an overall frequency of <0.001% (1/251122) total alleles studied. The highest observed frequency was 0.001% (1/113628) of European (non-Finnish) alleles. Based on insufficient or conflicting evidence, the clinical significance of this alteration remains unclear.

Labcorp Genetics (formerly Invitae), Labcorp
Classification: Uncertain significance for Early-infantile DEE. Last evaluated: 2024-10-12. Review status: criteria provided, single submitter. Criteria: Invitae Variant Classification Sherloc (09022015). Collection method: clinical testing. Allele origin: germline.
Comment: This sequence change replaces alanine, which is neutral and non-polar, with glutamic acid, which is acidic and polar, at codon 451 of the SPTAN1 protein (p.Ala451Glu). This variant is present in population databases (rs149336930, gnomAD 0.0009%). This variant has not been reported in the literature in individuals affected with SPTAN1-related conditions. ClinVar contains an entry for this variant (Variation ID: 2574310). Invitae Evidence Modeling of protein sequence and biophysical properties (such as structural, functional, and spatial information, amino acid conservation, physicochemical variation, residue mobility, and thermodynamic stability) has been performed for this missense variant. However, the output from this modeling did not meet the statistical confidence thresholds required to predict the impact of this variant on SPTAN1 protein function. In summary, the available evidence is currently insufficient to determine the role of this variant in disease. Therefore, it has been classified as a Variant of Uncertain Significance.

GeneDx
Classification: Uncertain significance. Last evaluated: 2023-01-29. Review status: criteria provided, single submitter. Criteria: GeneDx Variant Classification Process June 2021. Collection method: clinical testing. Allele origin: germline. Affected: yes.
Comment: In silico analysis supports that this missense variant has a deleterious effect on protein structure/function; Missense variant in a gene in which most reported pathogenic variants are truncating/loss of function; Has not been previously published as pathogenic or benign to our knowledge

NM_001130438.3(SPTAN1):c.1352C>A (p.Ala451Glu)

Gene: SPTAN1 (spectrin alpha, non-erythrocytic 1; plus strand). Cytogenetic location: 9q34.11.
Variant type: single nucleotide variant.
Coding change: c.1352C>A on transcript NM_001130438.3 (MANE Select); coding-DNA position 1352, C replaced by A.
Protein change: p.Ala451Glu; replaces alanine 451 with glutamic acid.
Molecular consequence: missense variant.
Genome position (GRCh38, 1-based): chr9:128,580,950, C>A. VCF-style: chr9-128580950-C-A. GRCh37 (hg19) VCF-style: chr9-131343229-C-A.
Other names: c.1388C>A, p.Ala463Glu (NM_001375318.1, NM_001375312.2); c.1352C>A, p.Ala451Glu (NM_003127.4, NM_001195532.2, NM_001363759.2 and 5 more transcripts); short protein forms A451E, A463E.
Identifiers: ClinVar variation 2574310 (VCV002574310.4), dbSNP rs149336930, ClinGen allele CA5264377.